The following is an entry in ClinVar:

NM_000051.4(ATM):c.1661C>T (p.Thr554Met)

Gene: ATM (ATM serine/threonine kinase; plus strand). Cytogenetic location: 11q22.3.
Variant type: single nucleotide variant.
Coding change: c.1661C>T on transcript NM_000051.4 (MANE Select); coding-DNA position 1661, C replaced by T.
Protein change: p.Thr554Met; replaces threonine 554 with methionine.
Molecular consequence: missense variant.
Genome position (GRCh38, 1-based): chr11:108,251,890, C>T. VCF-style: chr11-108251890-C-T. GRCh37 (hg19) VCF-style: chr11-108122617-C-T.
Other names: c.1661C>T, p.Thr554Met (NM_001351834.2); short protein forms T554M.
Identifiers: ClinVar variation 407709 (VCV000407709.50), dbSNP rs1060501694, ClinGen allele CA16612997.

ClinVar aggregate classification (germline): Conflicting classifications of pathogenicity. Review status: criteria provided, conflicting classifications (1 of 4 stars). 16 submissions from 15 submitters: Uncertain significance (12); Likely benign (1). 3 of the submissions do not count toward it. Last evaluated 2026-01-31.

Conditions:
Hereditary cancer-predisposing syndrome. Also called: Tumor predisposition; Hereditary neoplastic syndrome; Hereditary Cancer Syndrome; Neoplastic Syndromes, Hereditary. Identifiers: Orphanet 140162, MedGen C0027672, MeSH D009386, MONDO:0015356.
Ataxia-telangiectasia syndrome (AT). Also called: LOUIS-BAR SYNDROME; Ataxia-telangiectasia, complementation group E; Ataxia telangiectasia (A-T); Cerebello-oculocutaneous telangiectasia; Immunodeficiency with ataxia telangiectasia; Ataxia-telangiectasia, complementation group D. Identifiers: Orphanet 100, MedGen C0004135, MONDO:0008840, OMIM 208900.
Familial cancer of breast. Also called: hereditary breast carcinoma; BREAST CANCER, FAMILIAL; Hereditary breast cancer. Identifiers: Orphanet 227535, MedGen C0346153, MONDO:0016419, OMIM 114480. Disease mechanism: loss of function.

Allele frequency attached by ClinVar (database versions not stated): gnomAD exomes below 0.00001 and 0.00002; TOPMed 0.00002; gnomAD 0.00003.
gnomAD v4.1: 28 of 1,613,582 alleles (0.0017%); highest among the groups gnomAD compares: Non-Finnish European, 0.0021%; no homozygotes.

Submissions (16):

Labcorp Genetics (formerly Invitae), Labcorp
Classification: Uncertain significance for Ataxia-telangiectasia syndrome. Last evaluated: 2026-01-31. Review status: criteria provided, single submitter. Criteria: Invitae Variant Classification Sherloc (09022015). Collection method: clinical testing. Allele origin: germline.
Comment: This sequence change replaces threonine, which is neutral and polar, with methionine, which is neutral and non-polar, at codon 554 of the ATM protein (p.Thr554Met). This variant is present in population databases (no rsID available, gnomAD 0.002%). This missense change has been observed in individual(s) with breast cancer, pancreatic cancer and melanoma (PMID: 30287823, 33150793, 34262154). ClinVar contains an entry for this variant (Variation ID: 407709). Invitae Evidence Modeling of protein sequence and biophysical properties (such as structural, functional, and spatial information, amino acid conservation, physicochemical variation, residue mobility, and thermodynamic stability) indicates that this missense variant is not expected to disrupt ATM protein function with a negative predictive value of 95%. RNA analysis performed to evaluate the impact of this missense change on mRNA splicing indicates it does not significantly alter splicing (internal data). In summary, the available evidence is currently insufficient to determine the role of this variant in disease. Therefore, it has been classified as a Variant of Uncertain Significance.

GeneDx
Classification: Uncertain significance. Last evaluated: 2025-08-05. Review status: criteria provided, single submitter. Criteria: GeneDx Variant Classification Process June 2021. Collection method: clinical testing. Allele origin: germline. Affected: yes.
Comment: Not observed at significant frequency in large population cohorts (gnomAD); In silico analysis suggests that this missense variant does not alter protein structure/function; This variant is associated with the following publications: (PMID: 30287823, 33471991, 34262154, 28779002, 36243179)

Quest Diagnostics Nichols Institute San Juan Capistrano
Classification: Uncertain significance. Last evaluated: 2025-05-08. Review status: criteria provided, single submitter. Criteria: Quest Diagnostics criteria. Collection method: clinical testing. Allele origin: unknown.

CeGaT Center for Human Genetics Tuebingen
Classification: Uncertain significance. Last evaluated: 2025-05-01. Review status: criteria provided, single submitter. Criteria: CeGaT Center For Human Genetics Tuebingen Variant Classification Criteria Version 2. Collection method: clinical testing. Allele origin: germline. Affected: yes. Observed: 1 variant allele.
Comment: ATM: PM2, BP4

Women's Health and Genetics/Laboratory Corporation of America, LabCorp
Classification: Uncertain significance. Last evaluated: 2025-03-31. Review status: criteria provided, single submitter. Criteria: LabCorp Variant Classification Summary - May 2015. Collection method: clinical testing. Allele origin: germline.
Comment: Variant summary: ATM c.1661C>T (p.Thr554Met) results in a non-conservative amino acid change in the encoded protein sequence. Four of five in-silico tools predict a benign effect of the variant on protein function. The variant allele was found at a frequency of 7.2e-06 in 276266 control chromosomes. The available data on variant occurrences in the general population are insufficient to allow any conclusion about variant significance. c.1661C>T has been reported in the literature in individuals affected with breast cancer or biliary tract cancer (e.g, Dallmasso_2021, Dorling_2021, Okawa_2023) and in unaffected controls (e.g. Momozawa_2018). These report(s) do not provide unequivocal conclusions about association of the variant with ATM-related conditions. To our knowledge, no experimental evidence demonstrating an impact on protein function has been reported. The following publications have been ascertained in the context of this evaluation (PMID: 34262154, 30287823, 36243179, 33471991). ClinVar contains an entry for this variant (Variation ID: 407709). Based on the evidence outlined above, the variant was classified as uncertain significance.

Ambry Genetics
Classification: Likely benign for Hereditary cancer-predisposing syndrome. Last evaluated: 2024-10-11. Review status: criteria provided, single submitter. Criteria: Ambry Variant Classification Scheme 2023. Collection method: clinical testing. Allele origin: germline.

Blueprint Genetics
Classification: Uncertain significance. Last evaluated: 2024-07-02. Review status: criteria provided, single submitter. Criteria: ACMG Guidelines, 2015. Collection method: clinical testing. Allele origin: germline.

Color Diagnostics, LLC DBA Color Health
Classification: Uncertain significance for Hereditary cancer-predisposing syndrome. Last evaluated: 2024-03-11. Review status: criteria provided, single submitter. Criteria: ACMG Guidelines, 2015. Collection method: clinical testing. Allele origin: germline.
Comment: This missense variant replaces threonine with methionine at codon 554 of the ATM protein. Computational prediction suggests that this variant may not impact protein structure and function. To our knowledge, functional studies have not been reported for this variant. This variant has been reported in individuals affected with breast cancer (PMID: 28779002, 33471991). This variant has been identified in 2/282664 chromosomes in the general population by the Genome Aggregation Database (gnomAD). The available evidence is insufficient to determine the role of this variant in disease conclusively. Therefore, this variant is classified as a Variant of Uncertain Significance.

Fulgent Genetics
Classification: Uncertain significance for Familial cancer of breast; Ataxia-telangiectasia syndrome. Last evaluated: 2024-02-21. Review status: criteria provided, single submitter. Criteria: ACMG Guidelines, 2015. Collection method: clinical testing. Allele origin: germline.

Baylor Genetics
Classification: Uncertain significance for Familial cancer of breast. Last evaluated: 2023-11-05. Review status: criteria provided, single submitter. Criteria: ACMG Guidelines, 2015. Collection method: clinical testing. Allele origin: unknown.

St. Jude Molecular Pathology, St. Jude Children's Research Hospital
Classification: Uncertain significance for Familial cancer of breast. Last evaluated: 2022-10-07. Review status: criteria provided, single submitter. Criteria: St. Jude Assertion Criteria 2020. Collection method: clinical testing. Allele origin: germline.
Comment: The ATM c.1661C>T (p.Thr554Met) missense change has a maximum subpopulation frequency of 0.0016% in gnomAD v2.1.1. The in silico tool REVEL predicts a benign effect on protein function, but to our knowledge this prediction has not been confirmed by functional studies. This variant has been reported in individuals with breast cancer (PMID: 33471991) and in healthy controls in breast cancer risk studies (PMID: 30287823). This variant is absent in a database of women older than 70 years of age who have never had cancer (FLOSSIES database). To our knowledge, this variant has not been reported in individuals with ataxia telangiectasia. In summary, the evidence currently available is insufficient to determine the clinical significance of this variant. It has therefore been classified as of uncertain significance.

Sema4
Classification: Uncertain significance for Hereditary cancer-predisposing syndrome. Last evaluated: 2021-05-31. Review status: criteria provided, single submitter. Criteria: Sema4 Curation Guidelines. Collection method: curation. Allele origin: germline.
Comment: The ATM c.1661C>T (p.T554M) variant has been reported in heterozygosity in at least four individuals with breast cancer and one patient with pancreatic cancer (PMID: 33471991, 33150793) as well as healthy controls (PMID: 30287823, 3280694). It was observed in 2/129022 chromosomes of the Non-Finnish European subpopulation in the large and broad cohorts of the Genome Aggregation Database. The variant has been reported in ClinVar (Variation ID 407709). In silico tools suggest the impact of the variant on protein function is benign, though these predictions have not been confirmed by functional studies. The evidence is insufficient to meet ACMG/AMP criteria for classifying the variant as benign or pathogenic. Thus, the clinical significance of this variant is currently uncertain.

Baylor Genetics
Classification: Uncertain significance for Ataxia-telangiectasia syndrome. Last evaluated: 2018-06-30. Review status: criteria provided, single submitter. Criteria: ACMG Guidelines, 2015. Collection method: clinical testing. Allele origin: paternal. Affected: yes.
Comment: This variant was determined to be of uncertain significance according to ACMG Guidelines, 2015 [PMID:25741868].

Natera, Inc.
Classification: Uncertain significance for Ataxia-telangiectasia. Last evaluated: 2020-09-16. Review status: no assertion criteria provided. Collection method: clinical testing. Allele origin: germline. Not counted in ClinVar's aggregate classification.

Clinical Genetics DNA and cytogenetics Diagnostics Lab, Erasmus MC, Erasmus Medical Center
Classification: Likely benign. Review status: no assertion criteria provided. Collection method: clinical testing. Allele origin: germline. Affected: yes. Study: VKGL Data-share Consensus. Not counted in ClinVar's aggregate classification.

Genome Diagnostics Laboratory, University Medical Center Utrecht
Classification: Likely benign. Review status: no assertion criteria provided. Collection method: clinical testing. Allele origin: germline. Affected: yes. Study: VKGL Data-share Consensus. Not counted in ClinVar's aggregate classification.

Literature cited by the submitters: PubMed 30287823 (cited by 4 submitters); PubMed 33150793 (cited by Labcorp Genetics (formerly Invitae), Labcorp and Sema4); PubMed 34262154 (cited by Labcorp Genetics (formerly Invitae), Labcorp and Women's Health and Genetics/Laboratory Corporation of America, LabCorp); PubMed 33471991 (cited by 3 submitters); PubMed 36243179 (cited by Women's Health and Genetics/Laboratory Corporation of America, LabCorp); PubMed 28779002 (cited by Ambry Genetics and Color Diagnostics, LLC DBA Color Health); PubMed 3280694 (cited by Sema4).